The following is an entry in ClinVar:

NM_201384.3(PLEC):c.3988A>T (p.Thr1330Ser)

Gene: PLEC (plectin; minus strand). Cytogenetic location: 8q24.3.
Variant type: single nucleotide variant.
Coding change: c.3988A>T on transcript NM_201384.3 (MANE Select); coding-DNA position 3988, A replaced by T.
Protein change: p.Thr1330Ser; replaces threonine 1330 with serine.
Molecular consequence: missense variant.
Genome position (GRCh38, 1-based): chr8:143,926,840, T>A on the plus strand (A>T on the coding strand, the complement: PLEC is on the minus strand). VCF-style: chr8-143926840-T-A. GRCh37 (hg19) VCF-style: chr8-145001008-T-A.
Other names: c.4069A>T, p.Thr1357Ser (NM_000445.5, NM_001410941.1); c.3946A>T, p.Thr1316Ser (NM_201378.4); c.3922A>T, p.Thr1308Ser (NM_201379.3); c.4399A>T, p.Thr1467Ser (NM_201380.4); c.3892A>T, p.Thr1298Ser (NM_201381.3); c.3988A>T, p.Thr1330Ser (NM_201382.4); c.4000A>T, p.Thr1334Ser (NM_201383.3); short protein forms T1298S, T1308S, T1467S, T1316S, T1330S, T1334S, T1357S.
Identifiers: ClinVar variation 4785944 (VCV004785944.1).
Genomic context (GRCh38, chr8:143,926,840, plus strand): 5'-GTACCTCCTCCTCCTCCATGCGCCGCAGAGTCTCGCTGATGAACTTGATGTACTGGCTCG[T>A]CAGTGTGGTCAGCTCGCTGTAGTGCGTACGCAGGTCCACGTACTGTGGAGTAGAGCCAGG-3'
Protein context (NP_958786.1, residues 1320-1340): RTHYSELTTL[Thr1330Ser]SQYIKFISET

ClinVar aggregate classification (germline): Uncertain significance (1 of 4 stars; one submission).

Conditions:
Epidermolysis bullosa simplex with nail dystrophy (EBS5D). Identifiers: MedGen C4225309, MONDO:0014661, OMIM 616487.
Epidermolysis bullosa simplex, Ogna type (EBS5A). Also called: EPIDERMOLYSIS BULLOSA SIMPLEX 5A, OGNA TYPE; Pidermolysis bullosa simplex 5A, Ogna type. Identifiers: Orphanet 79401, MedGen C0432317, MONDO:0007555, OMIM 131950.
Autosomal recessive limb-girdle muscular dystrophy type 2Q (LGMDR17). Also called: MUSCULAR DYSTROPHY, LIMB-GIRDLE, AUTOSOMAL RECESSIVE 17. Identifiers: Orphanet 254361, MedGen C3150989, MONDO:0013390, OMIM 613723.
Epidermolysis bullosa simplex 5B, with muscular dystrophy (EBS5B). Also called: EPIDERMOLYSIS BULLOSA SIMPLEX AND LIMB-GIRDLE MUSCULAR DYSTROPHY; Epidermolysis bullosa simplex with muscular dystrophy. Identifiers: Orphanet 257, MedGen C2931072, MONDO:0009181, OMIM 226670.
Epidermolysis bullosa simplex 5C, with pyloric atresia (EBS5C). Also called: PLEC-Related Epidermolysis Bullosa with Pyloric Atresia; Epidermolysis bullosa simplex with pyloric atresia; PLEC1-Related Epidermolysis Bullosa with Pyloric Atresia. Identifiers: Orphanet 158684, MedGen C2677349, MONDO:0012807, OMIM 612138.

Submission:

Labcorp Genetics (formerly Invitae), Labcorp
Classification: Uncertain significance for Autosomal recessive limb-girdle muscular dystrophy type 2Q; Epidermolysis bullosa simplex, Ogna type; Epidermolysis bullosa simplex with nail dystrophy; Epidermolysis bullosa simplex 5C, with pyloric atresia; Epidermolysis bullosa simplex 5B, with muscular dystrophy. Last evaluated: 2025-09-05. Review status: criteria provided, single submitter. Criteria: Invitae Variant Classification Sherloc (09022015). Collection method: clinical testing. Allele origin: germline.
Comment: This sequence change replaces threonine, which is neutral and polar, with serine, which is neutral and polar, at codon 1357 of the PLEC protein (p.Thr1357Ser). This variant is not present in population databases (gnomAD no frequency). This variant has not been reported in the literature in individuals affected with PLEC-related conditions. Experimental studies and prediction algorithms are not available or were not evaluated, and the functional significance of this variant is currently unknown. In summary, the available evidence is currently insufficient to determine the role of this variant in disease. Therefore, it has been classified as a Variant of Uncertain Significance.